The following is an entry in ClinVar:

ClinVar aggregate classification (germline): Benign/Likely benign. Review status: criteria provided, multiple submitters, no conflicts (2 of 4 stars). 6 submissions from 6 submitters: Benign (3); Likely benign (1). 2 of the submissions do not count toward it. Last evaluated 2026-01-15.

Allele frequency attached by ClinVar (database versions not stated): gnomAD exomes 0.00108; ExAC 0.00118; ESP Exome Variant Server 0.00191; gnomAD 0.00246 and 0.00255; TOPMed 0.00267; 1000 Genomes Project 0.00379; 1000 Genomes Project 30x 0.00390.
gnomAD v4.1: 1,094 of 1,608,190 alleles (0.068%); highest among the groups gnomAD compares: African/African-American, 0.79%; 4 homozygotes.

Submissions (6):

Labcorp Genetics (formerly Invitae), Labcorp
Classification: Benign. Last evaluated: 2026-01-15. Review status: criteria provided, single submitter. Criteria: Invitae Variant Classification Sherloc (09022015). Collection method: clinical testing. Allele origin: germline.

Blueprint Genetics
Classification: Likely benign. Last evaluated: 2024-11-11. Review status: criteria provided, single submitter. Criteria: ACMG Guidelines, 2015. Collection method: clinical testing. Allele origin: germline.

Mayo Clinic Laboratories, Mayo Clinic
Classification: Benign. Last evaluated: 2024-10-10. Review status: criteria provided, single submitter. Criteria: ACMG Guidelines, 2015. Collection method: clinical testing. Allele origin: germline. Observed: 1 variant allele.
Comment: BS1, BS2, BP4, BP7

Breakthrough Genomics
Classification: Benign. Review status: criteria provided, single submitter. Criteria: ACMG Guidelines, 2015. Collection method: not provided. Allele origin: germline. Inheritance: Autosomal recessive inheritance. Affected: yes.

Clinical Genetics DNA and cytogenetics Diagnostics Lab, Erasmus MC, Erasmus Medical Center
Classification: Likely benign. Review status: no assertion criteria provided. Collection method: clinical testing. Allele origin: germline. Affected: yes. Study: VKGL Data-share Consensus. Not counted in ClinVar's aggregate classification.

Genome Diagnostics Laboratory, University Medical Center Utrecht
Classification: Likely benign. Review status: no assertion criteria provided. Collection method: clinical testing. Allele origin: germline. Affected: yes. Study: VKGL Data-share Consensus. Not counted in ClinVar's aggregate classification.

NM_014804.3(KIAA0753):c.1545+10C>T

Gene: KIAA0753 (KIAA0753; minus strand). Cytogenetic location: 17p13.1.
Variant type: single nucleotide variant.
Coding change: c.1545+10C>T on transcript NM_014804.3 (MANE Select); 10 bases into the intron after coding-DNA position 1545, C replaced by T.
Molecular consequence: intron variant.
Genome position (GRCh38, 1-based): chr17:6,611,909, G>A on the plus strand (C>T on the coding strand, the complement: KIAA0753 is on the minus strand). VCF-style: chr17-6611909-G-A. GRCh37 (hg19) VCF-style: chr17-6515229-G-A.
Other names: p.?; c.648+10C>T (NM_001351225.2).
Identifiers: ClinVar variation 725288 (VCV000725288.15), dbSNP rs147784976, ClinGen allele CA8330456.
Genomic context (GRCh38, chr17:6,611,909, plus strand): 5'-TACCAGTTTATGTGACCTTGACAATGTCAGATTAACACAAATGGGCCAAAAGAGAGGAAT[G>A]ATTTCATACTTGCTGTCTTGCTGGCGCCAGAGTATCTTTCTTCCTAAACGGCACATTCTC-3'